The following is an entry in ClinVar:

ClinVar aggregate classification (germline): Uncertain significance (1 of 4 stars; one submission).

Submission:

Labcorp Genetics (formerly Invitae), Labcorp
Classification: Uncertain significance. Last evaluated: 2025-09-10. Review status: criteria provided, single submitter. Criteria: Invitae Variant Classification Sherloc (09022015). Collection method: clinical testing. Allele origin: germline.
Comment: This sequence change falls in intron 13 of the CTNNA1 gene. It does not directly change the encoded amino acid sequence of the CTNNA1 protein. It affects a nucleotide within the consensus splice site. This variant is not present in population databases (gnomAD no frequency). This variant has not been reported in the literature in individuals affected with CTNNA1-related conditions. Variants that disrupt the consensus splice site are a relatively common cause of aberrant splicing (PMID: 17576681, 9536098). Algorithms developed to predict the effect of sequence changes on RNA splicing suggest that this variant is not likely to affect RNA splicing. In summary, the available evidence is currently insufficient to determine the role of this variant in disease. Therefore, it has been classified as a Variant of Uncertain Significance.

Literature cited by the submitters: PubMed 17576681; PubMed 9536098.

NM_001903.5(CTNNA1):c.1899+3G>T

Gene: CTNNA1 (catenin alpha 1; plus strand). Cytogenetic location: 5q31.2.
Variant type: single nucleotide variant.
Coding change: c.1899+3G>T on transcript NM_001903.5 (MANE Select); 3 bases into the intron after coding-DNA position 1899, G replaced by T.
Molecular consequence: intron variant.
Genome position (GRCh38, 1-based): chr5:138,925,410, G>T. VCF-style: chr5-138925410-G-T. GRCh37 (hg19) VCF-style: chr5-138261099-G-T.
Other names: c.1899+3G>T (NM_001323982.2, NM_001323984.2, NM_001290307.3 and 2 more transcripts); c.1806+3G>T (NM_001323986.2); c.1530+3G>T (NM_001290310.3); c.1590+3G>T (NM_001290309.3); c.789+3G>T (NM_001323996.1, NM_001323993.1, NM_001324005.1 and 17 more transcripts); c.450+3G>T (NM_001324007.1, NM_001324009.1, NM_001324006.1 and 2 more transcripts); c.546+3G>T (NM_001324013.1, NM_001324012.1); c.696+3G>T (NM_001324011.1).
Identifiers: ClinVar variation 4726912 (VCV004726912.1).